The following is an entry in ClinVar:

ClinVar aggregate classification (germline): Benign. Review status: criteria provided, multiple submitters, no conflicts (2 of 4 stars). 2 submissions from 2 submitters: Benign (2). Last evaluated 2018-06-19.

Allele frequency attached by ClinVar (database versions not stated): 1000 Genomes Project 0.08966; 1000 Genomes Project 30x 0.09541; gnomAD 0.11647 and 0.11928; TOPMed 0.11672; gnomAD exomes 0.11974.
gnomAD v4.1: 111,510 of 934,350 alleles (12%); highest among the groups gnomAD compares: Middle Eastern, 17%; 7,183 homozygotes.

Submissions (2):

GeneDx
Classification: Benign. Last evaluated: 2018-06-19. Review status: criteria provided, single submitter. Criteria: GeneDx Variant Classification (06012015). Collection method: clinical testing. Allele origin: germline. Affected: yes.
Comment: This variant is considered likely benign or benign based on one or more of the following criteria: it is a conservative change, it occurs at a poorly conserved position in the protein, it is predicted to be benign by multiple in silico algorithms, and/or has population frequency not consistent with disease.

Breakthrough Genomics
Classification: Benign. Review status: criteria provided, single submitter. Criteria: ACMG Guidelines, 2015. Collection method: not provided. Allele origin: germline. Inheritance: Autosomal dominant inheritance. Affected: yes.

NM_130839.5(UBE3A):c.2499-152T>C

Genes: SNHG14 (small nucleolar RNA host gene 14; plus strand), UBE3A (ubiquitin protein ligase E3A; minus strand). Cytogenetic location: 15q11.2.
Variant type: single nucleotide variant.
Coding change: c.2499-152T>C on transcript NM_130839.5 (MANE Select); 152 bases into the intron before coding-DNA position 2499, T replaced by C.
Molecular consequence: intron variant.
Genome position (GRCh38, 1-based): chr15:25,339,409, A>G on the plus strand (T>C on the coding strand, the complement: UBE3A is on the minus strand). VCF-style: chr15-25339409-A-G. GRCh37 (hg19) VCF-style: chr15-25584556-A-G.
Other names: c.2322-152T>C (NM_001354546.2); c.1188-152T>C (NM_001354551.2); c.2274-152T>C (NM_001354549.2); c.2283-152T>C (NM_001354548.2, NM_001354547.2); c.2439-152T>C (NM_130838.4, NM_001354542.2, NM_001354523.2 and 14 more transcripts); c.1248-152T>C (NM_001354550.2); c.2343-152T>C (NM_001354545.2); c.2499-152T>C (NM_001354538.2, NM_001354505.1); and 1 more.
Identifiers: ClinVar variation 672296 (VCV000672296.2), dbSNP rs17115485, ClinGen allele CA14168088.